The following is an entry in ClinVar:

NM_003185.4(TAF4):c.1029G>A (p.Lys343=)

Gene: TAF4 (TATA-box binding protein associated factor 4; minus strand). Cytogenetic location: 20q13.33.
Variant type: single nucleotide variant.
Coding change: c.1029G>A on transcript NM_003185.4 (MANE Select); coding-DNA position 1029, G replaced by A.
Protein change: p.Lys343=; no amino-acid change (lysine 343 retained).
Molecular consequence: synonymous variant.
Genome position (GRCh38, 1-based): chr20:62,064,782, C>T on the plus strand (G>A on the coding strand, the complement: TAF4 is on the minus strand). VCF-style: chr20-62064782-C-T. GRCh37 (hg19) VCF-style: chr20-60639838-C-T.
Identifiers: ClinVar variation 5041412 (VCV005041412.1).

ClinVar aggregate classification (germline): Likely benign (1 of 4 stars; one submission).

Submission:

CeGaT Center for Human Genetics Tuebingen
Classification: Likely benign. Last evaluated: 2026-09-01. Review status: criteria provided, single submitter. Criteria: CeGaT Center For Human Genetics Tuebingen Variant Classification Criteria Version 2. Collection method: clinical testing. Allele origin: germline. Affected: yes. Observed: 1 variant allele.
Comment: TAF4: PM2:Supporting, BP4, BP7